The following is an entry in ClinVar:

NM_000342.4(SLC4A1):c.1790del (p.Phe597fs)

Gene: SLC4A1 (solute carrier family 4 member 1 (Diego blood group); minus strand). Cytogenetic location: 17q21.31.
Variant type: Deletion.
Coding change: c.1790del on transcript NM_000342.4 (MANE Select); coding-DNA position 1790, one base deleted (T; older notation c.1790delT).
Protein change: p.Phe597fs; shifts the reading frame from phenylalanine 597.
Molecular consequence: frameshift variant.
Genome position (GRCh38, 1-based): chr17:44,255,683, A deleted on the plus strand (T on the coding strand, the reverse complement: SLC4A1 is on the minus strand); the first of 3 consecutive A bases (chr17:44,255,683-44,255,685); deleting any one gives the same sequence. VCF-style (leftmost placement, unchanged base first): chr17-44255682-GA-G. GRCh37 (hg19) VCF-style: chr17-42333050-GA-G.
Other names: short protein forms F597fs.
Identifiers: ClinVar variation 2921207 (VCV002921207.1), dbSNP rs2509964054, ClinGen allele CA2739267571.

ClinVar aggregate classification (germline): Pathogenic (1 of 4 stars; one submission).

Submission:

ARUP Laboratories, Molecular Genetics and Genomics, ARUP Laboratories
Classification: Pathogenic. Last evaluated: 2023-08-18. Review status: criteria provided, single submitter. Criteria: ARUP Molecular Germline Variant Investigation Process 2024. Collection method: clinical testing. Allele origin: germline.
Comment: The SLC4A1 c.1790del; p.Phe597SerfsTer19 variant, to our knowledge, is not reported in the medical literature or gene specific databases. This variant is also absent from the Genome Aggregation Database, indicating it is not a common polymorphism. This variant causes a frameshift by deleting a single nucleotide, so it is predicted to result in a truncated protein or mRNA subject to nonsense-mediated decay. Based on available information, this variant is considered to be pathogenic.